The following is an entry in ClinVar:

NM_000552.5(VWF):c.874+1G>A

Gene: VWF (von Willebrand factor; minus strand). Cytogenetic location: 12p13.31.
Variant type: single nucleotide variant.
Coding change: c.874+1G>A on transcript NM_000552.5 (MANE Select); the canonical splice donor site of the intron after coding-DNA position 874, G replaced by A.
Molecular consequence: splice donor variant.
Genome position (GRCh38, 1-based): chr12:6,075,334, C>T on the plus strand (G>A on the coding strand, the complement: VWF is on the minus strand). VCF-style: chr12-6075334-C-T. GRCh37 (hg19) VCF-style: chr12-6184500-C-T.
Identifiers: ClinVar variation 100510 (VCV000100510.4), dbSNP rs267607302, ClinGen allele CA228860.

ClinVar aggregate classification (germline): Uncertain significance. Review status: no assertion criteria provided (0 of 4 stars). 2 submissions from 2 submitters: Uncertain significance (1). 1 of the submissions does not count toward it. Last evaluated 2020-11-01.

Conditions:
von Willebrand disease type 3 (VWD3). Also called: Type 3 Von Willebrand's disease; Type 3 VWD; Von Willebrand disease, severe form; V WD3; VON WILLEBRAND DISEASE, TYPE III. Identifiers: Orphanet 166096, MedGen C1264041, MONDO:0010191, OMIM 277480.

Submissions (2):

Angelo Bianchi Bonomi Hemophilia and Thrombosis Center, Fondazione IRCCS Ca Granda Ospedale Maggiore Policlinico
Classification: Uncertain significance for von Willebrand disease type 3. Last evaluated: 2020-11-01. Review status: no assertion criteria provided. Collection method: clinical testing. Allele origin: germline. Affected: yes. Study: Type 3 Von Willebrand International Registries Inhibitor Prospective Study (3WINTERS-IPS).
Comment: ClinGen Pathogenicity Calculator

Academic Unit of Haematology, University of Sheffield
No classification provided. Review status: no classification provided. Collection method: not provided. Allele origin: not provided. Not counted in ClinVar's aggregate classification.